The following is an entry in ClinVar:

NM_001377.3(DYNC2H1):c.10605+1G>T

Gene: DYNC2H1 (dynein cytoplasmic 2 heavy chain 1; plus strand). Cytogenetic location: 11q22.3.
Variant type: single nucleotide variant.
Coding change: c.10605+1G>T on transcript NM_001377.3 (MANE Select); the canonical splice donor site of the intron after coding-DNA position 10605, G replaced by T.
Molecular consequence: splice donor variant.
Genome position (GRCh38, 1-based): chr11:103,257,752, G>T. VCF-style: chr11-103257752-G-T. GRCh37 (hg19) VCF-style: chr11-103128481-G-T.
Other names: c.10626+1G>T (NM_001080463.2).
Identifiers: ClinVar variation 2892358 (VCV002892358.3), dbSNP rs2135267768, ClinGen allele CA382251247.

ClinVar aggregate classification (germline): Likely pathogenic (1 of 4 stars; one submission).

Conditions:
Jeune thoracic dystrophy. Also called: Jeune syndrome; Infantile thoracic dystrophy; Thoracic pelvic phalangeal dystrophy; Jeune's syndrome; Chondroectodermal dysplasia-like syndrome; Short-rib thoracic dysplasia. Identifiers: Orphanet 474, MedGen C0265275, MONDO:0018770.

gnomAD v4.1: 6 of 1,582,680 alleles (0.00038%); highest among the groups gnomAD compares: Non-Finnish European, 0.00052%; no homozygotes.

Submission:

Labcorp Genetics (formerly Invitae), Labcorp
Classification: Likely pathogenic for Jeune thoracic dystrophy. Last evaluated: 2024-05-06. Review status: criteria provided, single submitter. Criteria: Invitae Variant Classification Sherloc (09022015). Collection method: clinical testing. Allele origin: germline.
Comment: This sequence change affects a donor splice site in intron 70 of the DYNC2H1 gene. It is expected to disrupt RNA splicing. Variants that disrupt the donor or acceptor splice site typically lead to a loss of protein function (PMID: 16199547), and loss-of-function variants in DYNC2H1 are known to be pathogenic (PMID: 23339108, 32753734, 33755199). This variant is not present in population databases (gnomAD no frequency). This variant has not been reported in the literature in individuals affected with DYNC2H1-related conditions. Algorithms developed to predict the effect of sequence changes on RNA splicing suggest that this variant may disrupt the consensus splice site. In summary, the currently available evidence indicates that the variant is pathogenic, but additional data are needed to prove that conclusively. Therefore, this variant has been classified as Likely Pathogenic.

Literature cited by the submitters: PubMed 16199547; PubMed 23339108; PubMed 32753734; PubMed 33755199.